The following is an entry in ClinVar:

NM_019066.5(MAGEL2):c.3050T>A (p.Leu1017Ter)

Gene: MAGEL2 (MAGE family member L2; minus strand). Cytogenetic location: 15q11.2.
Variant type: single nucleotide variant.
Coding change: c.3050T>A on transcript NM_019066.5 (MANE Select); coding-DNA position 3050, T replaced by A.
Protein change: p.Leu1017Ter; replaces leucine 1017 with a stop codon.
Molecular consequence: nonsense.
Genome position (GRCh38, 1-based): chr15:23,644,693, A>T on the plus strand (T>A on the coding strand, the complement: MAGEL2 is on the minus strand). VCF-style: chr15-23644693-A-T. GRCh37 (hg19) VCF-style: chr15-23889840-A-T.
Other names: c.3050T>A (NM_019066.4); short protein forms L1017*.
Identifiers: ClinVar variation 3777152 (VCV003777152.1).
Genomic context (GRCh38, chr15:23,644,693, plus strand): 5'-GCTTGGTCCTTGACTAAGAGGAACTGCACCAACGCATTTGCCCTCTCATCCAAGGGAGAC[A>T]AGGGCTGTGCCTCCACCTTGGAATTATCCTGGGTGGCACTGGATCCCGGAGAGACACTTG-3'

ClinVar aggregate classification (germline): Pathogenic (1 of 4 stars; one submission).

Conditions:
Schaaf-Yang syndrome (SHFYNG). Also called: MAGEL2-related Prader-Willi-like syndrome; Arthrogryposis, distal, with hypopituitarism, intellectual disability, and facial anomalies. Identifiers: Orphanet 398069, MedGen C5575066, MONDO:0014243, OMIM 615547.

Submission:

University of Washington Department of Laboratory Medicine, University of Washington
Classification: Pathogenic for Schaaf-Yang syndrome. Last evaluated: 2021-08-17. Review status: criteria provided, single submitter. Criteria: ACMG Guidelines, 2015. Collection method: clinical testing. Allele origin: de novo. Affected: yes.
Comment: This variant leads to a premature termination codon at amino acid position 1017. Since the MAGEL2 gene has a single exon, it is not predicted to undergo nonsense-mediated decay. However, truncating variants after this position (C-terminal) have been reported with Schaaf-Yang syndrome, suggesting premature truncation at this position would be similarly associated with the disorder. These predictions have not been tested directly. Using ACMG guidelines, this variant was classified as pathogenic for autosomal dominant Schaaf-Yang syndrome (ACMG evidence codes used: PVS1, PS2_moderate, PM2_supporting).